The following is an entry in ClinVar:

NM_005732.4(RAD50):c.282A>G (p.Ile94Met)

Gene: RAD50 (RAD50 double strand break repair protein; plus strand). Cytogenetic location: 5q31.1.
Variant type: single nucleotide variant.
Coding change: c.282A>G on transcript NM_005732.4 (MANE Select); coding-DNA position 282, A replaced by G.
Protein change: p.Ile94Met; replaces isoleucine 94 with methionine.
Molecular consequence: missense variant.
Genome position (GRCh38, 1-based): chr5:132,575,845, A>G. VCF-style: chr5-132575845-A-G. GRCh37 (hg19) VCF-style: chr5-131911537-A-G.
Other names: short protein forms I94M.
Identifiers: ClinVar variation 186303 (VCV000186303.18), dbSNP rs786202847, ClinGen allele CA194414.

ClinVar aggregate classification (germline): Conflicting classifications of pathogenicity. Review status: criteria provided, conflicting classifications (1 of 4 stars). 5 submissions from 5 submitters: Uncertain significance (2); Likely benign (2). 1 of the submissions does not count toward it. Last evaluated 2025-05-25.

Conditions:
Myoepithelial tumor. Identifiers: MedGen C0027070, MeSH D009208, MONDO:0002380.
Hereditary cancer-predisposing syndrome. Also called: Hereditary neoplastic syndrome; Tumor predisposition; Hereditary Cancer Syndrome; Neoplastic Syndromes, Hereditary. Identifiers: Orphanet 140162, MedGen C0027672, MeSH D009386, MONDO:0015356.
Nijmegen breakage syndrome-like disorder (NBSLD). Also called: MICROCEPHALY AND SPONTANEOUS CHROMOSOME INSTABILITY WITHOUT IMMUNODEFICIENCY; NBS-LIKE DISORDER; RAD50 DEFICIENCY. Identifiers: Orphanet 240760, MedGen C2751318, MONDO:0013118, OMIM 613078.

Allele frequency attached by ClinVar (database versions not stated): gnomAD exomes below 0.00001 and 0.00002; TOPMed below 0.00001; ExAC 0.00002.
gnomAD v4.1: 7 of 1,602,550 alleles (0.00044%); highest among the groups gnomAD compares: Admixed American, 0.01%; no homozygotes.

Submissions (5):

Ambry Genetics
Classification: Uncertain significance for Hereditary cancer-predisposing syndrome. Last evaluated: 2025-05-25. Review status: criteria provided, single submitter. Criteria: Ambry Variant Classification Scheme 2023. Collection method: clinical testing. Allele origin: germline.

Labcorp Genetics (formerly Invitae), Labcorp
Classification: Likely benign for Hereditary cancer-predisposing syndrome. Last evaluated: 2024-04-30. Review status: criteria provided, single submitter. Criteria: Invitae Variant Classification Sherloc (09022015). Collection method: clinical testing. Allele origin: germline.

Laboratorio de Genetica e Diagnostico Molecular, Hospital Israelita Albert Einstein
Classification: Uncertain significance for Nijmegen breakage syndrome-like disorder. Last evaluated: 2023-08-18. Review status: criteria provided, single submitter. Criteria: ACMG Guidelines, 2015. Collection method: clinical testing. Allele origin: germline. Affected: yes.
Comment: ACMG classification criteria: PM2 supporting, BP4 supporting

Mendelics
Classification: Likely benign for Nijmegen breakage syndrome-like disorder. Last evaluated: 2019-05-28. Review status: criteria provided, single submitter. Criteria: Mendelics Assertion Criteria 2017. Collection method: clinical testing. Allele origin: unknown.

Caryl and Israel Englander Institute for Precision Medicine, Weill Cornell Medicine
Classification: Uncertain significance for Myoepithelial tumor. Last evaluated: 2022-11-01. Review status: no assertion criteria provided. Collection method: research. Allele origin: somatic. Affected: yes. Not counted in ClinVar's aggregate classification.